The following is an entry in ClinVar:

ClinVar aggregate classification (germline): Uncertain significance (1 of 4 stars; one submission).

Submission:

Labcorp Genetics (formerly Invitae), Labcorp
Classification: Uncertain significance. Last evaluated: 2024-08-13. Review status: criteria provided, single submitter. Criteria: Invitae Variant Classification Sherloc (09022015). Collection method: clinical testing. Allele origin: germline.
Comment: This sequence change replaces histidine, which is basic and polar, with proline, which is neutral and non-polar, at codon 514 of the CTR9 protein (p.His514Pro). This variant is not present in population databases (gnomAD no frequency). This variant has not been reported in the literature in individuals affected with CTR9-related conditions. An algorithm developed to predict the effect of missense changes on protein structure and function (PolyPhen-2) suggests that this variant is likely to be tolerated. In summary, the available evidence is currently insufficient to determine the role of this variant in disease. Therefore, it has been classified as a Variant of Uncertain Significance.

NM_014633.5(CTR9):c.1541A>C (p.His514Pro)

Genes: CTR9 (CTR9 component of Paf1/RNA polymerase II complex; plus strand), LOC126861140 (CDK7 strongly-dependent group 2 enhancer GRCh37_chr11:10785333-10786532; plus strand). Cytogenetic location: 11p15.4.
Variant type: single nucleotide variant.
Coding change: c.1541A>C on transcript NM_014633.5 (MANE Select); coding-DNA position 1541, A replaced by C.
Protein change: p.His514Pro; replaces histidine 514 with proline.
Molecular consequence: missense variant.
Genome position (GRCh38, 1-based): chr11:10,764,675, A>C. VCF-style: chr11-10764675-A-C. GRCh37 (hg19) VCF-style: chr11-10786222-A-C.
Other names: c.1541A>C, p.His514Pro (NM_001346279.2); short protein forms H514P.
Identifiers: ClinVar variation 3662204 (VCV003662204.2).
Genomic context (GRCh38, chr11:10,764,675, plus strand): 5'-CCATTTCCGTTACCACGTCATATAATCTCGCCAGGCTATATGAGGCGATGTGTGAATTCC[A>C]TGAAGCAGAAAAACTGTATAAAAACATCTTACGCGAACATCCTAATTATGTTGACTGTAA-3'
Protein context (NP_055448.1, residues 504-524): ARLYEAMCEF[His514Pro]EAEKLYKNIL